The following is an entry in ClinVar:

NM_032590.5(KDM2B):c.3302T>C (p.Leu1101Ser)

Gene: KDM2B (lysine demethylase 2B; minus strand). Cytogenetic location: 12q24.31.
Variant type: single nucleotide variant.
Coding change: c.3302T>C on transcript NM_032590.5 (MANE Select); coding-DNA position 3302, T replaced by C.
Protein change: p.Leu1101Ser; replaces leucine 1101 with serine.
Molecular consequence: missense variant.
Genome position (GRCh38, 1-based): chr12:121,441,216, A>G on the plus strand (T>C on the coding strand, the complement: KDM2B is on the minus strand). VCF-style: chr12-121441216-A-G. GRCh37 (hg19) VCF-style: chr12-121879019-A-G.
Other names: c.3095T>C, p.Leu1032Ser (NM_001005366.2); short protein forms L1032S, L1101S.
Identifiers: ClinVar variation 2505819 (VCV002505819.1), dbSNP rs2547433840, ClinGen allele CA386972695.

ClinVar aggregate classification (germline): Uncertain significance (1 of 4 stars; one submission).

Submission:

GeneDx
Classification: Uncertain significance. Last evaluated: 2022-12-19. Review status: criteria provided, single submitter. Criteria: GeneDx Variant Classification Process June 2021. Collection method: clinical testing. Allele origin: germline. Affected: yes.
Comment: Not observed at significant frequency in large population cohorts (gnomAD); In silico analysis supports that this missense variant has a deleterious effect on protein structure/function; Has not been previously published as pathogenic or benign to our knowledge